The following is an entry in ClinVar:

ClinVar aggregate classification (germline): Likely benign. Review status: criteria provided, multiple submitters, no conflicts (2 of 4 stars). 3 submissions from 3 submitters: Likely benign (3). Last evaluated 2024-10-16.

Conditions:
Catecholaminergic polymorphic ventricular tachycardia (CVPT). Also called: Catecholamine-induced polymorphic ventricular tachycardia. Identifiers: Orphanet 3286, MedGen C5574922, MONDO:0017990.
Cardiomyopathy (CMYO). Also called: Cardiomyopathies. Identifiers: Orphanet 167848, MedGen C0878544, MONDO:0004994, HP:0001638. Inheritance: Various modes of inheritance.
Catecholaminergic polymorphic ventricular tachycardia 1. Also called: VENTRICULAR TACHYCARDIA, CATECHOLAMINERGIC POLYMORPHIC, 1, WITH OR WITHOUT ATRIAL DYSFUNCTION AND/OR DILATED CARDIOMYOPATHY; VENTRICULAR TACHYCARDIA, STRESS-INDUCED POLYMORPHIC 1; RYR2-Related Catecholaminergic Polymorphic Ventricular Tachycardia. Identifiers: Orphanet 3286, MedGen C1631597, MONDO:0011484, OMIM 604772.

Allele frequency attached by ClinVar (database versions not stated): TOPMed below 0.00001; gnomAD 0.00001; gnomAD exomes 0.00001 and 0.00002; ExAC 0.00004.
gnomAD v4.1: 22 of 1,606,186 alleles (0.0014%); highest among the groups gnomAD compares: Non-Finnish European, 0.0018%; no homozygotes.

Submissions (3):

Labcorp Genetics (formerly Invitae), Labcorp
Classification: Likely benign for Catecholaminergic polymorphic ventricular tachycardia 1. Last evaluated: 2024-10-16. Review status: criteria provided, single submitter. Criteria: Invitae Variant Classification Sherloc (09022015). Collection method: clinical testing. Allele origin: germline.

All of Us Research Program, National Institutes of Health
Classification: Likely benign for Catecholaminergic polymorphic ventricular tachycardia. Last evaluated: 2023-10-06. Review status: criteria provided, single submitter. Criteria: ACMG Guidelines, 2015. Collection method: clinical testing. Allele origin: germline. Inheritance: Autosomal dominant inheritance. Observed: 1 variant allele, 1 heterozygote.
Comment: This study involves interpretation of variants in research participants for the purpose of population health screening. Participant phenotype was not available at the time of variant classification. Additional details can be found in publication PMID: 35346344, PMCID: PMC8962531

Color Diagnostics, LLC DBA Color Health
Classification: Likely benign for Cardiomyopathy. Last evaluated: 2019-09-09. Review status: criteria provided, single submitter. Criteria: ACMG Guidelines, 2015. Collection method: clinical testing. Allele origin: germline.

NM_001035.3(RYR2):c.6023-7A>G

Gene: RYR2 (ryanodine receptor 2; plus strand). Cytogenetic location: 1q43.
Variant type: single nucleotide variant.
Coding change: c.6023-7A>G on transcript NM_001035.3 (MANE Select); 7 bases into the intron before coding-DNA position 6023, A replaced by G.
Molecular consequence: intron variant.
Genome position (GRCh38, 1-based): chr1:237,625,654, A>G. VCF-style: chr1-237625654-A-G. GRCh37 (hg19) VCF-style: chr1-237788954-A-G.
Identifiers: ClinVar variation 928423 (VCV000928423.13), dbSNP rs771502164, ClinGen allele CA087038.